The following is an entry in ClinVar:

NM_014874.4(MFN2):c.760T>G (p.Phe254Val)

Gene: MFN2 (mitofusin 2; plus strand). Cytogenetic location: 1p36.22.
Variant type: single nucleotide variant.
Coding change: c.760T>G on transcript NM_014874.4 (MANE Select); coding-DNA position 760, T replaced by G.
Protein change: p.Phe254Val; replaces phenylalanine 254 with valine.
Molecular consequence: missense variant.
Genome position (GRCh38, 1-based): chr1:11,999,039, T>G. VCF-style: chr1-11999039-T-G. GRCh37 (hg19) VCF-style: chr1-12059096-T-G.
Other names: c.760T>G, p.Phe254Val (NM_001127660.2); short protein forms F254V.
Identifiers: ClinVar variation 3654034 (VCV003654034.3).

ClinVar aggregate classification (germline): Uncertain significance. Review status: criteria provided, multiple submitters, no conflicts (2 of 4 stars). 2 submissions from 2 submitters: Uncertain significance (2). Last evaluated 2024-05-21.

Conditions:
Charcot-Marie-Tooth disease type 2. Also called: Charcot-Marie-Tooth type 2. Identifiers: Orphanet 64746, MedGen C0270914, MONDO:0018993.

Submissions (2):

Labcorp Genetics (formerly Invitae), Labcorp
Classification: Uncertain significance for Charcot-Marie-Tooth disease type 2. Last evaluated: 2024-05-21. Review status: criteria provided, single submitter. Criteria: Invitae Variant Classification Sherloc (09022015). Collection method: clinical testing. Allele origin: germline.
Comment: This sequence change replaces phenylalanine, which is neutral and non-polar, with valine, which is neutral and non-polar, at codon 254 of the MFN2 protein (p.Phe254Val). This variant is not present in population databases (gnomAD no frequency). This variant has not been reported in the literature in individuals affected with MFN2-related conditions. Advanced modeling of protein sequence and biophysical properties (such as structural, functional, and spatial information, amino acid conservation, physicochemical variation, residue mobility, and thermodynamic stability) performed at Invitae indicates that this missense variant is expected to disrupt MFN2 protein function with a positive predictive value of 95%. In summary, the available evidence is currently insufficient to determine the role of this variant in disease. Therefore, it has been classified as a Variant of Uncertain Significance.

Blueprint Genetics
Classification: Uncertain significance. Last evaluated: 2022-01-10. Review status: criteria provided, single submitter. Criteria: ACMG Guidelines, 2015. Collection method: clinical testing. Allele origin: germline.